The following is an entry in ClinVar:

ClinVar aggregate classification (germline): Uncertain significance (1 of 4 stars; one submission).

Allele frequency attached by ClinVar (database versions not stated): gnomAD exomes below 0.00001; gnomAD 0.00001; TOPMed 0.00001.
gnomAD v4.1: 2 of 1,533,734 alleles (0.00013%); highest among the groups gnomAD compares: African/African-American, 0.0029%; no homozygotes.

Submission:

GeneDx
Classification: Uncertain significance. Last evaluated: 2020-03-03. Review status: criteria provided, single submitter. Criteria: GeneDx Variant Classification Process June 2021. Collection method: clinical testing. Allele origin: germline. Affected: yes.
Comment: Not observed in large population cohorts (Lek et al., 2016); In silico analysis supports that this missense variant does not alter protein structure/function; Has not been previously published as pathogenic or benign to our knowledge

NM_001330288.2(SMARCC2):c.95G>C (p.Gly32Ala)

Genes: SMARCC2 (SWI/SNF related BAF chromatin remodeling complex subunit C2; minus strand), LOC130008058 (ATAC-STARR-seq lymphoblastoid silent region 4548; plus strand). Cytogenetic location: 12q13.2.
Variant type: single nucleotide variant.
Coding change: c.95G>C on transcript NM_001330288.2 (MANE Select); coding-DNA position 95, G replaced by C.
Protein change: p.Gly32Ala; replaces glycine 32 with alanine.
Molecular consequence: missense variant.
Genome position (GRCh38, 1-based): chr12:56,189,367, C>G on the plus strand (G>C on the coding strand, the complement: SMARCC2 is on the minus strand). VCF-style: chr12-56189367-C-G. GRCh37 (hg19) VCF-style: chr12-56583151-C-G.
Other names: c.95G>C, p.Gly32Ala (NM_001130420.3, NM_003075.5, NM_139067.4); short protein forms G32A.
Identifiers: ClinVar variation 1315260 (VCV001315260.2), dbSNP rs1255752226, ClinGen allele CA385268236.